The following is an entry in ClinVar:

ClinVar aggregate classification (germline): Uncertain significance (1 of 4 stars; one submission).

Conditions:
TTN-related disorder. Also called: TTN-related condition; TTN-related disease; TTN-related disorders.

gnomAD v4.1: 2 of 1,613,302 alleles (0.00012%); highest among the groups gnomAD compares: Non-Finnish European, 0.00017%; no homozygotes.

Submission:

PreventionGenetics, part of Exact Sciences
Classification: Uncertain significance for TTN-related condition. Last evaluated: 2025-12-04. Review status: criteria provided, single submitter. Criteria: ACMG Guidelines, 2015. Collection method: clinical testing. Allele origin: germline.
Comment: The TTN c.41528A>G variant is predicted to result in the amino acid substitution p.Asp13843Gly. To our knowledge, this variant has not been reported in the literature or in a large population database (gnomAD), indicating this variant is rare. At this time, the clinical significance of this variant is uncertain due to the absence of conclusive functional and genetic evidence.

NM_001267550.2(TTN):c.41528A>G (p.Asp13843Gly)

Gene: TTN (titin; minus strand). Cytogenetic location: 2q31.2.
Variant type: single nucleotide variant.
Coding change: c.41528A>G on transcript NM_001267550.2 (MANE Select); coding-DNA position 41528, A replaced by G.
Protein change: p.Asp13843Gly; replaces aspartic acid 13843 with glycine.
Molecular consequence: missense variant.
Genome position (GRCh38, 1-based): chr2:178,636,043, T>C on the plus strand (A>G on the coding strand, the complement: TTN is on the minus strand). VCF-style: chr2-178636043-T-C. GRCh37 (hg19) VCF-style: chr2-179500770-T-C.
Other names: c.36605A>G, p.Asp12202Gly (NM_001256850.1); c.14333A>G, p.Asp4778Gly (NM_003319.4); c.33824A>G, p.Asp11275Gly (NM_133378.4); c.14708A>G, p.Asp4903Gly (NM_133432.3); c.14909A>G, p.Asp4970Gly (NM_133437.4); short protein forms D13843G, D12202G, D4778G, D4903G, D11275G, D4970G.
Identifiers: ClinVar variation 4979389 (VCV004979389.1).
Genomic context (GRCh38, chr2:178,636,043, plus strand): 5'-GAACACTCCAGGTTGTTGGCGTTTTCCACAGTAACTGTGTATGTTCCAGCATCTGTGTCA[T>C]CTGCATCGTTGATGGTCAGAGCCCGCATCAAGCCAATGACGCCTGGCACAATTCGGCCAG-3'
Protein context (NP_001254479.2, residues 13833-13853): LMRALTINDA[Asp13843Gly]DTDAGTYTVT